The following is an entry in ClinVar:

NM_001042517.2(DIAPH3):c.1205A>C (p.Glu402Ala)

Gene: DIAPH3 (diaphanous related formin 3; minus strand). Cytogenetic location: 13q21.2.
Variant type: single nucleotide variant.
Coding change: c.1205A>C on transcript NM_001042517.2 (MANE Select); coding-DNA position 1205, A replaced by C.
Protein change: p.Glu402Ala; replaces glutamic acid 402 with alanine.
Molecular consequence: missense variant.
Genome position (GRCh38, 1-based): chr13:59,992,107, T>G on the plus strand (A>C on the coding strand, the complement: DIAPH3 is on the minus strand). VCF-style: chr13-59992107-T-G. GRCh37 (hg19) VCF-style: chr13-60566241-T-G.
Other names: c.1172A>C, p.Glu391Ala (NM_001258366.2); c.1067A>C, p.Glu356Ala (NM_001258367.2); c.995A>C, p.Glu332Ala (NM_001258368.2); c.1205A>C, p.Glu402Ala (NM_001258369.2); c.416A>C, p.Glu139Ala (NM_001258370.2, NM_030932.4); short protein forms E139A, E391A, E332A, E356A, E402A.
Identifiers: ClinVar variation 2248694 (VCV002248694.23), dbSNP rs1012408540, ClinGen allele CA250965079.

ClinVar aggregate classification (germline): Uncertain significance. Review status: criteria provided, multiple submitters, no conflicts (2 of 4 stars). 2 submissions from 2 submitters: Uncertain significance (2). Last evaluated 2024-03-01.

Allele frequency attached by ClinVar (database versions not stated): gnomAD 0.00001; TOPMed 0.00001; gnomAD exomes 0.00002.
gnomAD v4.1: 35 of 1,611,898 alleles (0.0022%); highest among the groups gnomAD compares: Non-Finnish European, 0.0028%; no homozygotes.

Submissions (2):

CeGaT Center for Human Genetics Tuebingen
Classification: Uncertain significance. Last evaluated: 2024-03-01. Review status: criteria provided, single submitter. Criteria: CeGaT Center For Human Genetics Tuebingen Variant Classification Criteria Version 2. Collection method: clinical testing. Allele origin: germline. Affected: yes. Observed: 1 variant allele.
Comment: DIAPH3: PM2

Ambry Genetics
Classification: Uncertain significance. Last evaluated: 2021-09-01. Review status: criteria provided, single submitter. Criteria: Ambry Variant Classification Scheme 2023. Collection method: clinical testing. Allele origin: germline.